The following is an entry in ClinVar:

NM_000023.4(SGCA):c.217C>T (p.Pro73Ser)

Gene: SGCA (sarcoglycan alpha; plus strand). Cytogenetic location: 17q21.33.
Variant type: single nucleotide variant.
Coding change: c.217C>T on transcript NM_000023.4 (MANE Select); coding-DNA position 217, C replaced by T.
Protein change: p.Pro73Ser; replaces proline 73 with serine.
Molecular consequence: missense variant. On other transcripts: non-coding transcript variant (1).
Genome position (GRCh38, 1-based): chr17:50,167,641, C>T. VCF-style: chr17-50167641-C-T. GRCh37 (hg19) VCF-style: chr17-48245002-C-T.
Other names: c.217C>T, p.Pro73Ser (NM_001135697.3); short protein forms P73S.
Identifiers: ClinVar variation 2862249 (VCV002862249.3), dbSNP rs2509118765, ClinGen allele CA400177443.

ClinVar aggregate classification (germline): Likely pathogenic (1 of 4 stars; one submission).

Conditions:
Autosomal recessive limb-girdle muscular dystrophy type 2D (LGMDR3). Also called: MUSCULAR DYSTROPHY, LIMB-GIRDLE, AUTOSOMAL RECESSIVE 3; ADHALINOPATHY, PRIMARY; DUCHENNE-LIKE AUTOSOMAL RECESSIVE MUSCULAR DYSTROPHY, TYPE 2. Identifiers: Orphanet 62, MedGen C2936332, MONDO:0011968, OMIM 608099. Disease mechanism: Affects gamma-sarcoglycan and also disrupts the integrity of the entire sarcoglycan complex..

Allele frequency attached by ClinVar (database versions not stated): gnomAD exomes below 0.00001.
gnomAD v4.1: 2 of 1,613,940 alleles (0.00012%); highest among the groups gnomAD compares: Non-Finnish European, 0.00017%; no homozygotes.

Submission:

Labcorp Genetics (formerly Invitae), Labcorp
Classification: Likely pathogenic for Autosomal recessive limb-girdle muscular dystrophy type 2D. Last evaluated: 2023-05-16. Review status: criteria provided, single submitter. Criteria: Invitae Variant Classification Sherloc (09022015). Collection method: clinical testing. Allele origin: germline.
Comment: This variant is not present in population databases (gnomAD no frequency). In summary, the currently available evidence indicates that the variant is pathogenic, but additional data are needed to prove that conclusively. Therefore, this variant has been classified as Likely Pathogenic. This variant disrupts the p.Pro73 amino acid residue in SGCA. Other variant(s) that disrupt this residue have been determined to be pathogenic (PMID: 30764848). This suggests that this residue is clinically significant, and that variants that disrupt this residue are likely to be disease-causing. Advanced modeling of protein sequence and biophysical properties (such as structural, functional, and spatial information, amino acid conservation, physicochemical variation, residue mobility, and thermodynamic stability) performed at Invitae indicates that this missense variant is expected to disrupt SGCA protein function. This variant has not been reported in the literature in individuals affected with SGCA-related conditions. This sequence change replaces proline, which is neutral and non-polar, with serine, which is neutral and polar, at codon 73 of the SGCA protein (p.Pro73Ser).

Literature cited by the submitters: PubMed 30764848.